The following is an entry in ClinVar:

NM_139027.6(ADAMTS13):c.1351G>A (p.Ala451Thr)

Gene: ADAMTS13 (ADAM metallopeptidase with thrombospondin type 1 motif 13; plus strand). Cytogenetic location: 9q34.2.
Variant type: single nucleotide variant.
Coding change: c.1351G>A on transcript NM_139027.6 (MANE Select); coding-DNA position 1351, G replaced by A.
Protein change: p.Ala451Thr; replaces alanine 451 with threonine.
Molecular consequence: missense variant.
Genome position (GRCh38, 1-based): chr9:133,436,871, G>A. VCF-style: chr9-133436871-G-A. GRCh37 (hg19) VCF-style: chr9-136301991-G-A.
Other names: c.1351G>A, p.Ala451Thr (NM_139025.5); c.1258G>A, p.Ala420Thr (NM_139026.6); short protein forms A420T, A451T.
Identifiers: ClinVar variation 988137 (VCV000988137.4), dbSNP rs375508823, ClinGen allele CA200929626.

ClinVar aggregate classification (germline): Uncertain significance. Review status: criteria provided, multiple submitters, no conflicts (2 of 4 stars). 3 submissions from 3 submitters: Uncertain significance (2). 1 of the submissions does not count toward it. Last evaluated 2023-10-29.

Conditions:
Atypical hemolytic-uremic syndrome. Identifiers: Orphanet 2134, MedGen C2931788, MONDO:0016244.

Allele frequency attached by ClinVar (database versions not stated): gnomAD exomes below 0.00001; TOPMed 0.00003; ExAC 0.00004; ESP Exome Variant Server 0.00015.

Submissions (3):

Labcorp Genetics (formerly Invitae), Labcorp
Classification: Uncertain significance. Last evaluated: 2023-10-29. Review status: criteria provided, single submitter. Criteria: Invitae Variant Classification Sherloc (09022015). Collection method: clinical testing. Allele origin: germline.
Comment: This sequence change replaces alanine, which is neutral and non-polar, with threonine, which is neutral and polar, at codon 451 of the ADAMTS13 protein (p.Ala451Thr). The frequency data for this variant in the population databases is considered unreliable, as metrics indicate poor data quality at this position in the gnomAD database. This variant has not been reported in the literature in individuals affected with ADAMTS13-related conditions. ClinVar contains an entry for this variant (Variation ID: 988137). Advanced modeling of protein sequence and biophysical properties (such as structural, functional, and spatial information, amino acid conservation, physicochemical variation, residue mobility, and thermodynamic stability) has been performed at Invitae for this missense variant, however the output from this modeling did not meet the statistical confidence thresholds required to predict the impact of this variant on ADAMTS13 protein function. In summary, the available evidence is currently insufficient to determine the role of this variant in disease. Therefore, it has been classified as a Variant of Uncertain Significance.

Women's Health and Genetics/Laboratory Corporation of America, LabCorp
Classification: Uncertain significance. Last evaluated: 2023-10-17. Review status: criteria provided, single submitter. Criteria: LabCorp Variant Classification Summary - May 2015. Collection method: clinical testing. Allele origin: germline.
Comment: Variant summary: ADAMTS13 c.1351G>A (p.Ala451Thr) results in a non-conservative amino acid change located in the cysteine-rich domain 3 (IPR045371) of the encoded protein sequence. Three of five in-silico tools predict a benign effect of the variant on protein function. The variant allele was found at a frequency of 4.9e-06 in 204006 control chromosomes (gnomAD). The available data on variant occurrences in the general population are insufficient to allow any conclusion about variant significance. To our knowledge, no occurrence of c.1351G>A in individuals affected with Thrombotic Thrombocytopenic Purpura and no experimental evidence demonstrating its impact on protein function have been reported. Two submitters have cited clinical-significance assessments for this variant to ClinVar after 2014. All submitters classified the variant as uncertain significance. Based on the evidence outlined above, the variant was classified as uncertain significance.

Sydney Genome Diagnostics, Children's Hospital Westmead
Classification: Uncertain significance for Atypical hemolytic-uremic syndrome. Last evaluated: 2018-04-05. Review status: no assertion criteria provided. Collection method: clinical testing. Allele origin: unknown. Affected: yes. Observed: 1 variant allele, 1 compound heterozygote. Not counted in ClinVar's aggregate classification.
Comment: To our knowledge, this variant has not been previously reported in the literature or any disease specific databases to be a disease causing variant. This variant has been reported in the gnomAD browser with a low allele frequency of 0.003% (1 out of 30,794 alleles). In silico analysis of pathogenicity (through Alamut Visual v2.8.1) is inconclusive regarding this change; SIFT predicts it to be likely pathogenic whereasPolyPhen2 and MutationTaster predicts this variant to be benign. This variant is considered to be a variant of uncertain clinical significance (VOUS) according to the ACMG guidelines.